The following is an entry in ClinVar:

NM_005477.3(HCN4):c.215T>A (p.Leu72His)

Gene: HCN4 (hyperpolarization activated cyclic nucleotide gated potassium channel 4; minus strand). Cytogenetic location: 15q24.1.
Variant type: single nucleotide variant.
Coding change: c.215T>A on transcript NM_005477.3 (MANE Select); coding-DNA position 215, T replaced by A.
Protein change: p.Leu72His; replaces leucine 72 with histidine.
Molecular consequence: missense variant.
Genome position (GRCh38, 1-based): chr15:73,368,056, A>T on the plus strand (T>A on the coding strand, the complement: HCN4 is on the minus strand). VCF-style: chr15-73368056-A-T. GRCh37 (hg19) VCF-style: chr15-73660397-A-T.
Other names: short protein forms L72H.
Identifiers: ClinVar variation 1786885 (VCV001786885.2), dbSNP rs2549080589, ClinGen allele CA393098692.

ClinVar aggregate classification (germline): Uncertain significance (1 of 4 stars; one submission).

Conditions:
Cardiovascular phenotype. Identifiers: MedGen CN230736.

Allele frequency attached by ClinVar (database versions not stated): gnomAD exomes below 0.00001.
gnomAD v4.1: 1 of 1,477,440 alleles (0.000068%); highest among the groups gnomAD compares: Middle Eastern, 0.022%; no homozygotes.

Submission:

Ambry Genetics
Classification: Uncertain significance for Cardiovascular phenotype. Last evaluated: 2021-11-14. Review status: criteria provided, single submitter. Criteria: Ambry Variant Classification Scheme 2023. Collection method: clinical testing. Allele origin: germline.
Comment: The p.L72H variant (also known as c.215T>A), located in coding exon 1 of the HCN4 gene, results from a T to A substitution at nucleotide position 215. The leucine at codon 72 is replaced by histidine, an amino acid with similar properties. This amino acid position is conserved. In addition, this alteration is predicted to be tolerated by in silico analysis. Since supporting evidence is limited at this time, the clinical significance of this alteration remains unclear.